The following is an entry in ClinVar:

ClinVar aggregate classification (germline): Uncertain significance (1 of 4 stars; one submission).

Conditions:
Fibrous dysplasia of jaw (CRBM). Also called: Cherubism. Identifiers: Orphanet 184, MedGen C0008029, MONDO:0007315, OMIM 118400.

Allele frequency attached by ClinVar (database versions not stated): gnomAD 0.00001; TOPMed 0.00001.
gnomAD v4.1: 1 of 1,588,522 alleles (0.000063%); highest among the groups gnomAD compares: African/African-American, 0.0013%; no homozygotes.

Submission:

Labcorp Genetics (formerly Invitae), Labcorp
Classification: Uncertain significance for Fibrous dysplasia of jaw. Last evaluated: 2023-09-22. Review status: criteria provided, single submitter. Criteria: Invitae Variant Classification Sherloc (09022015). Collection method: clinical testing. Allele origin: germline.
Comment: This sequence change replaces tyrosine, which is neutral and polar, with phenylalanine, which is neutral and non-polar, at codon 448 of the SH3BP2 protein (p.Tyr448Phe). This variant is not present in population databases (gnomAD no frequency). In summary, the available evidence is currently insufficient to determine the role of this variant in disease. Therefore, it has been classified as a Variant of Uncertain Significance. Advanced modeling of protein sequence and biophysical properties (such as structural, functional, and spatial information, amino acid conservation, physicochemical variation, residue mobility, and thermodynamic stability) performed at Invitae indicates that this missense variant is not expected to disrupt SH3BP2 protein function. This variant has not been reported in the literature in individuals affected with SH3BP2-related conditions.

NM_001122681.2(SH3BP2):c.1343A>T (p.Tyr448Phe)

Gene: SH3BP2 (SH3 domain binding protein 2; plus strand). Cytogenetic location: 4p16.3.
Variant type: single nucleotide variant.
Coding change: c.1343A>T on transcript NM_001122681.2 (MANE Select); coding-DNA position 1343, A replaced by T.
Protein change: p.Tyr448Phe; replaces tyrosine 448 with phenylalanine.
Molecular consequence: missense variant.
Genome position (GRCh38, 1-based): chr4:2,831,672, A>T. VCF-style: chr4-2831672-A-T. GRCh37 (hg19) VCF-style: chr4-2833399-A-T.
Other names: c.1427A>T, p.Tyr476Phe (NM_001145855.2); c.1514A>T, p.Tyr505Phe (NM_001145856.2); c.1343A>T, p.Tyr448Phe (NM_003023.4); short protein forms Y505F, Y476F, Y448F.
Identifiers: ClinVar variation 2870443 (VCV002870443.3), dbSNP rs1291034009, ClinGen allele CA356057986.